The following is an entry in ClinVar:

NM_015338.6(ASXL1):c.3144_3145del (p.Asp1049fs)

Gene: ASXL1 (ASXL transcriptional regulator 1; plus strand). Cytogenetic location: 20q11.21.
Variant type: Deletion.
Coding change: c.3144_3145del on transcript NM_015338.6 (MANE Select); coding-DNA positions 3144 to 3145, 2 bases deleted (TG; older notation c.3144_3145delTG).
Protein change: p.Asp1049fs; shifts the reading frame from aspartic acid 1049.
Molecular consequence: frameshift variant.
Genome position (GRCh38, 1-based): chr20:32,435,856-32,435,857, TG deleted; deleting any 2 consecutive bases within chr20:32,435,855-32,435,857 gives the same sequence; the c. name uses the placement nearest the transcript's 3' end. VCF-style (leftmost placement, unchanged base first): chr20-32435854-GGT-G. GRCh37 (hg19) VCF-style: chr20-31023657-GGT-G.
Other names: c.2961_2962del, p.Asp988fs (NM_001363734.1); c.3144_3145delTG (NM_015338.5); short protein forms D1049fs, D988fs.
Identifiers: ClinVar variation 265615 (VCV000265615.2), dbSNP rs886039670, ClinGen allele CA10588698.

ClinVar aggregate classification (germline): Pathogenic (1 of 4 stars; one submission).

Submission:

GeneDx
Classification: Pathogenic. Last evaluated: 2016-06-14. Review status: criteria provided, single submitter. Criteria: GeneDx Variant Classification (06012015). Collection method: clinical testing. Allele origin: germline. Affected: yes.
Comment: The c.3144_3145delTG pathogenic variant in the ASXL1 gene has not been reported previously as a pathogenic variant nor as a benign variant, to our knowledge. The c.3144_3145delTG variant causes a frameshift starting with codon Aspartic acid 1049, changes this amino acid to a Histidine residue, and creates a premature Stop codon at position 37 of the new reading frame, denoted p.Asp1049HisfsX37. This variant is predicted to cause loss of normal protein function through protein truncation. The c.3144_3145delTG variant was not observed in approximately 6,500 individuals of European and African American ancestry in the NHLBI Exome Sequencing Project, indicating it is not a common benign variant in these populations. We interpret c.3144_3145delTG as a pathogenic variant.